The following is an entry in ClinVar:

NM_006269.2(RP1):c.3509T>C (p.Ile1170Thr)

Gene: RP1 (RP1 axonemal microtubule associated; plus strand). Cytogenetic location: 8q12.1.
Variant type: single nucleotide variant.
Coding change: c.3509T>C on transcript NM_006269.2 (MANE Select); coding-DNA position 3509, T replaced by C.
Protein change: p.Ile1170Thr; replaces isoleucine 1170 with threonine.
Molecular consequence: missense variant. On other transcripts: intron variant (1).
Genome position (GRCh38, 1-based): chr8:54,627,391, T>C. VCF-style: chr8-54627391-T-C. GRCh37 (hg19) VCF-style: chr8-55539951-T-C.
Other names: c.787+5103T>C (NM_001375654.1); short protein forms I1170T.
Identifiers: ClinVar variation 935658 (VCV000935658.10), dbSNP rs1237261610, ClinGen allele CA370996509.
Genomic context (GRCh38, chr8:54,627,391, plus strand): 5'-CTCACAAGGCTACCAACAAATCTTCAGAAACACTTGCATTGTTGGAGATTCTAAAGCACA[T>C]AGCTATCACAGAGGAAGCTGATGACTTGAAAGCTGCTGTTGCCAATTTAGTGGAGTCAAC-3'
Protein context (NP_006260.1, residues 1160-1180): TLALLEILKH[Ile1170Thr]AITEEADDLK

ClinVar aggregate classification (germline): Uncertain significance. Review status: criteria provided, multiple submitters, no conflicts (2 of 4 stars). 2 submissions from 2 submitters: Uncertain significance (2). Last evaluated 2022-12-23.

Allele frequency attached by ClinVar (database versions not stated): gnomAD exomes below 0.00001 and 0.00001; gnomAD 0.00001; TOPMed 0.00001.
gnomAD v4.1: 7 of 1,614,074 alleles (0.00043%); highest among the groups gnomAD compares: East Asian, 0.0022%; no homozygotes.

Submissions (2):

Blueprint Genetics
Classification: Uncertain significance. Last evaluated: 2022-12-23. Review status: criteria provided, single submitter. Criteria: ACMG Guidelines, 2015. Collection method: clinical testing. Allele origin: germline.

Labcorp Genetics (formerly Invitae), Labcorp
Classification: Uncertain significance. Last evaluated: 2019-09-26. Review status: criteria provided, single submitter. Criteria: Invitae Variant Classification Sherloc (09022015). Collection method: clinical testing. Allele origin: germline.
Comment: This sequence change replaces isoleucine with threonine at codon 1170 of the RP1 protein (p.Ile1170Thr). The isoleucine residue is moderately conserved and there is a moderate physicochemical difference between isoleucine and threonine. This variant is not present in population databases (ExAC no frequency). This variant has not been reported in the literature in individuals with RP1-related conditions. Algorithms developed to predict the effect of missense changes on protein structure and function output the following: SIFT: "Tolerated"; PolyPhen-2: "Benign"; Align-GVGD: "Class C0". The threonine amino acid residue is found in multiple mammalian species, suggesting that this missense change does not adversely affect protein function. These predictions have not been confirmed by published functional studies and their clinical significance is uncertain. In summary, the available evidence is currently insufficient to determine the role of this variant in disease. Therefore, it has been classified as a Variant of Uncertain Significance.